The following is an entry in ClinVar:

NM_001048174.2(MUTYH):c.919A>C (p.Asn307His)

Gene: MUTYH (mutY DNA glycosylase; minus strand). Cytogenetic location: 1p34.1.
Variant type: single nucleotide variant.
Coding change: c.919A>C on transcript NM_001048174.2 (MANE Select); coding-DNA position 919, A replaced by C.
Protein change: p.Asn307His; replaces asparagine 307 with histidine.
Molecular consequence: missense variant. On other transcripts: non-coding transcript variant (7).
Genome position (GRCh38, 1-based): chr1:45,331,844, T>G on the plus strand (A>C on the coding strand, the complement: MUTYH is on the minus strand). VCF-style: chr1-45331844-T-G. GRCh37 (hg19) VCF-style: chr1-45797516-T-G.
Other names: c.922A>C, p.Asn308His (NM_001407078.1, NM_001407086.1, NM_001048172.2 and 1 more transcripts); c.880A>C, p.Asn294His (NM_001407079.1); c.877A>C, p.Asn293His (NM_001407080.1); c.919A>C, p.Asn307His (NM_001407081.1, NM_001407088.1, NM_001048171.2 and 6 more transcripts); c.574A>C, p.Asn192His (NM_001407082.1, NM_001350650.2, NM_001350651.2); c.961A>C, p.Asn321His (NM_001407083.1, NM_001407085.1); c.940A>C, p.Asn314His (NM_001407087.1); c.1003A>C, p.Asn335His (NM_001128425.2); and 5 more; short protein forms N293H, N308H, N215H, N279H, N307H, N321H, N294H, N314H.
Identifiers: ClinVar variation 4112909 (VCV004112909.1).

ClinVar aggregate classification (germline): Uncertain significance (1 of 4 stars; one submission).

Conditions:
Hereditary cancer-predisposing syndrome. Also called: Tumor predisposition; Neoplastic Syndromes, Hereditary; Hereditary neoplastic syndrome; Hereditary Cancer Syndrome. Identifiers: Orphanet 140162, MedGen C0027672, MeSH D009386, MONDO:0015356.

Submission:

Ambry Genetics
Classification: Uncertain significance for Hereditary cancer-predisposing syndrome. Last evaluated: 2025-08-27. Review status: criteria provided, single submitter. Criteria: Ambry Variant Classification Scheme 2023. Collection method: clinical testing. Allele origin: germline.
Comment: The p.N335H variant (also known as c.1003A>C), located in coding exon 12 of the MUTYH gene, results from an A to C substitution at nucleotide position 1003. The asparagine at codon 335 is replaced by histidine, an amino acid with similar properties. This amino acid position is conserved. In addition, this alteration is predicted to be tolerated by in silico analysis. Based on the available evidence, the clinical significance of this variant remains unclear.